The following is an entry in ClinVar:

ClinVar aggregate classification (germline): Uncertain significance (1 of 4 stars; one submission).

Conditions:
Aicardi-Goutieres syndrome 6 (AGS6). Identifiers: Orphanet 51, MedGen C3539013, MONDO:0014007, OMIM 615010.
Symmetrical dyschromatosis of extremities (DSH). Also called: Dyschromatosis symmetrica hereditaria; DYSCHROMATOSIS SYMMETRICA HEREDITARIA 1; RETICULATE ACROPIGMENTATION OF DOHI; SYMMETRIC DYSCHROMATOSIS OF THE EXTREMITIES. Identifiers: Orphanet 41, MedGen C0406775, MONDO:0007483, OMIM 127400.

Submission:

Labcorp Genetics (formerly Invitae), Labcorp
Classification: Uncertain significance for Aicardi-Goutieres syndrome 6; Symmetrical dyschromatosis of extremities. Last evaluated: 2025-08-16. Review status: criteria provided, single submitter. Criteria: Invitae Variant Classification Sherloc (09022015). Collection method: clinical testing. Allele origin: germline.
Comment: This sequence change replaces phenylalanine, which is neutral and non-polar, with leucine, which is neutral and non-polar, at codon 657 of the ADAR protein (p.Phe657Leu). This variant is not present in population databases (gnomAD no frequency). This variant has not been reported in the literature in individuals affected with ADAR-related conditions. Invitae Evidence Modeling of protein sequence and biophysical properties (such as structural, functional, and spatial information, amino acid conservation, physicochemical variation, residue mobility, and thermodynamic stability) has been performed for this missense variant. However, the output from this modeling did not meet the statistical confidence thresholds required to predict the impact of this variant on ADAR protein function. In summary, the available evidence is currently insufficient to determine the role of this variant in disease. Therefore, it has been classified as a Variant of Uncertain Significance.

NM_001111.5(ADAR):c.1971C>A (p.Phe657Leu)

Gene: ADAR (adenosine deaminase RNA specific; minus strand). Cytogenetic location: 1q21.3.
Variant type: single nucleotide variant.
Coding change: c.1971C>A on transcript NM_001111.5 (MANE Select); coding-DNA position 1971, C replaced by A.
Protein change: p.Phe657Leu; replaces phenylalanine 657 with leucine.
Molecular consequence: missense variant.
Genome position (GRCh38, 1-based): chr1:154,597,231, G>T on the plus strand (C>A on the coding strand, the complement: ADAR is on the minus strand). VCF-style: chr1-154597231-G-T. GRCh37 (hg19) VCF-style: chr1-154569707-G-T.
Other names: c.1086C>A, p.Phe362Leu (NM_001025107.3, NM_001193495.2, NM_001365046.1 and 3 more transcripts); c.1998C>A, p.Phe666Leu (NM_001365045.1); c.1971C>A, p.Phe657Leu (NM_015840.4, NM_015841.4); short protein forms F666L, F657L, F362L.
Identifiers: ClinVar variation 4782510 (VCV004782510.1).
Genomic context (GRCh38, chr1:154,597,231, plus strand): 5'-CATGGCTTCCTCTGCGGCCATCTGCTTTGCCACTTTCTTGCTGGGAGCACTCACACTGGG[G>T]AAAGTTTGGGCTCCCACTGCAACACAGTATTGGAACCTGACAGGAGATGAAGCACGTAGA-3'
Protein context (NP_001102.3, residues 647-667): QYCVAVGAQT[Phe657Leu]PSVSAPSKKV